The following is an entry in ClinVar:

NM_004415.4(DSP):c.7776G>C (p.Lys2592Asn)

Gene: DSP (desmoplakin; plus strand). Cytogenetic location: 6p24.3.
Variant type: single nucleotide variant.
Coding change: c.7776G>C on transcript NM_004415.4 (MANE Select); coding-DNA position 7776, G replaced by C.
Protein change: p.Lys2592Asn; replaces lysine 2592 with asparagine.
Molecular consequence: missense variant.
Genome position (GRCh38, 1-based): chr6:7,585,038, G>C. VCF-style: chr6-7585038-G-C. GRCh37 (hg19) VCF-style: chr6-7585271-G-C.
Other names: c.5979G>C, p.Lys1993Asn (NM_001008844.3); c.6447G>C, p.Lys2149Asn (NM_001319034.2); short protein forms K1993N, K2149N, K2592N.
Identifiers: ClinVar variation 3224250 (VCV003224250.1), dbSNP rs2533947911, ClinGen allele CA362693754.

ClinVar aggregate classification (germline): Uncertain significance (1 of 4 stars; one submission).

Conditions:
Cardiovascular phenotype. Identifiers: MedGen CN230736.

Submission:

Ambry Genetics
Classification: Uncertain significance for Cardiovascular phenotype. Last evaluated: 2024-02-25. Review status: criteria provided, single submitter. Criteria: Ambry Variant Classification Scheme 2023. Collection method: clinical testing. Allele origin: germline.
Comment: The p.K2592N variant (also known as c.7776G>C), located in coding exon 24 of the DSP gene, results from a G to C substitution at nucleotide position 7776. The lysine at codon 2592 is replaced by asparagine, an amino acid with similar properties. This amino acid position is conserved. In addition, this alteration is predicted to be tolerated by in silico analysis. Based on the available evidence, the clinical significance of this alteration remains unclear.